The following is an entry in ClinVar:

NM_004336.5(BUB1):c.104A>C (p.Glu35Ala)

Gene: BUB1 (BUB1 mitotic checkpoint serine/threonine kinase; minus strand). Cytogenetic location: 2q13.
Variant type: single nucleotide variant.
Coding change: c.104A>C on transcript NM_004336.5 (MANE Select); coding-DNA position 104, A replaced by C.
Protein change: p.Glu35Ala; replaces glutamic acid 35 with alanine.
Molecular consequence: missense variant.
Genome position (GRCh38, 1-based): chr2:110,674,207, T>G on the plus strand (A>C on the coding strand, the complement: BUB1 is on the minus strand). VCF-style: chr2-110674207-T-G. GRCh37 (hg19) VCF-style: chr2-111431784-T-G.
Other names: c.44A>C, p.Glu15Ala (NM_001278616.2); c.104A>C, p.Glu35Ala (NM_001278617.2); short protein forms E15A, E35A.
Identifiers: ClinVar variation 3645937 (VCV003645937.2).

ClinVar aggregate classification (germline): Uncertain significance (1 of 4 stars; one submission).

Submission:

Labcorp Genetics (formerly Invitae), Labcorp
Classification: Uncertain significance. Last evaluated: 2024-03-14. Review status: criteria provided, single submitter. Criteria: Invitae Variant Classification Sherloc (09022015). Collection method: clinical testing. Allele origin: germline.
Comment: This sequence change replaces glutamic acid, which is acidic and polar, with alanine, which is neutral and non-polar, at codon 35 of the BUB1 protein (p.Glu35Ala). This variant is not present in population databases (gnomAD no frequency). This variant has not been reported in the literature in individuals affected with BUB1-related conditions. Experimental studies and prediction algorithms are not available or were not evaluated, and the functional significance of this variant is currently unknown. In summary, the available evidence is currently insufficient to determine the role of this variant in disease. Therefore, it has been classified as a Variant of Uncertain Significance.